The following is an entry in ClinVar:

ClinVar aggregate classification (germline): Uncertain significance (1 of 4 stars; one submission).

Conditions:
Cardiovascular phenotype. Identifiers: MedGen CN230736.

Submission:

Ambry Genetics
Classification: Uncertain significance for Cardiovascular phenotype. Last evaluated: 2026-05-14. Review status: criteria provided, single submitter. Criteria: Ambry Variant Classification Scheme 2023. Collection method: clinical testing. Allele origin: germline.
Comment: The p.N112D variant (also known as c.334A>G), located in coding exon 2 of the CBL gene, results from an A to G substitution at nucleotide position 334. The asparagine at codon 112 is replaced by aspartic acid, an amino acid with highly similar properties. This amino acid position is conserved. In addition, the in silico prediction for this alteration is inconclusive. Based on the available evidence, the clinical significance of this variant remains unclear.

NM_005188.4(CBL):c.334A>G (p.Asn112Asp)

Gene: CBL (Cbl proto-oncogene; plus strand). Cytogenetic location: 11q23.3.
Variant type: single nucleotide variant.
Coding change: c.334A>G on transcript NM_005188.4 (MANE Select); coding-DNA position 334, A replaced by G.
Protein change: p.Asn112Asp; replaces asparagine 112 with aspartic acid.
Molecular consequence: missense variant.
Genome position (GRCh38, 1-based): chr11:119,232,586, A>G. VCF-style: chr11-119232586-A-G. GRCh37 (hg19) VCF-style: chr11-119103296-A-G.
Other names: short protein forms N112D.
Identifiers: ClinVar variation 4868253 (VCV004868253.1).